The following is an entry in ClinVar:

NM_001033855.3(DCLRE1C):c.1979A>G (p.Glu660Gly)

Gene: DCLRE1C (DNA cross-link repair 1C; minus strand). Cytogenetic location: 10p13.
Variant type: single nucleotide variant.
Coding change: c.1979A>G on transcript NM_001033855.3 (MANE Select); coding-DNA position 1979, A replaced by G.
Protein change: p.Glu660Gly; replaces glutamic acid 660 with glycine.
Molecular consequence: missense variant. On other transcripts: non-coding transcript variant (3), intron variant (3).
Genome position (GRCh38, 1-based): chr10:14,908,508, T>C on the plus strand (A>G on the coding strand, the complement: DCLRE1C is on the minus strand). VCF-style: chr10-14908508-T-C. GRCh37 (hg19) VCF-style: chr10-14950507-T-C.
Other names: c.1619A>G, p.Glu540Gly (NM_001033857.3, NM_001033858.3, NM_001289077.2 and 1 more transcripts); c.1634A>G, p.Glu545Gly (NM_001289076.2, NM_001289078.2, NM_022487.4); c.1437+197A>G (NM_001350966.2); c.1782+197A>G (NM_001350965.2); c.1422+197A>G (NM_001350967.2); short protein forms E540G, E660G, E545G.
Identifiers: ClinVar variation 1450288 (VCV001450288.3), dbSNP rs2131769121, ClinGen allele CA376074150.
Genomic context (GRCh38, chr10:14,908,508, plus strand): 5'-ATACTCTCACCAGTTGCCAGCTTCTCATATAAATATTGTAAATGCTCTCGTTTAGGTAAC[T>C]CAGCTTCTGGAGTTGAGGGAACTTCAAAATCAGAAGAGCTCTGGGAATCTGCATTTGTGC-3'
Protein context (NP_001029027.1, residues 650-670): DFEVPSTPEA[Glu660Gly]LPKREHLQYL

ClinVar aggregate classification (germline): Uncertain significance (1 of 4 stars; one submission).

Conditions:
Severe combined immunodeficiency due to DCLRE1C deficiency (RS-SCID). Also called: SCID, AUTOSOMAL RECESSIVE, T CELL-NEGATIVE, B CELL-NEGATIVE, NK CELL-POSITIVE, WITH SENSITIVITY TO IONIZING RADIATION. Identifiers: Orphanet 275, MedGen C1865371, MONDO:0011225, OMIM 602450.

Allele frequency attached by ClinVar (database versions not stated): gnomAD exomes below 0.00001.
gnomAD v4.1: 1 of 1,614,138 alleles (0.000062%); highest among the groups gnomAD compares: Non-Finnish European, 0.000085%; no homozygotes.

Submission:

Labcorp Genetics (formerly Invitae), Labcorp
Classification: Uncertain significance for Athabaskan severe combined immunodeficiency. Last evaluated: 2022-02-10. Review status: criteria provided, single submitter. Criteria: Invitae Variant Classification Sherloc (09022015). Collection method: clinical testing. Allele origin: germline.
Comment: This sequence change replaces glutamic acid, which is acidic and polar, with glycine, which is neutral and non-polar, at codon 660 of the DCLRE1C protein (p.Glu660Gly). This variant is not present in population databases (gnomAD no frequency). This variant has not been reported in the literature in individuals affected with DCLRE1C-related conditions. Algorithms developed to predict the effect of missense changes on protein structure and function are either unavailable or do not agree on the potential impact of this missense change (SIFT: "Tolerated"; PolyPhen-2: "Probably Damaging"; Align-GVGD: "Class C0"). In summary, the available evidence is currently insufficient to determine the role of this variant in disease. Therefore, it has been classified as a Variant of Uncertain Significance.